The following is an entry in ClinVar:

NM_198503.5(KCNT2):c.2198A>G (p.Tyr733Cys)

Gene: KCNT2 (potassium sodium-activated channel subfamily T member 2; minus strand). Cytogenetic location: 1q31.3.
Variant type: single nucleotide variant.
Coding change: c.2198A>G on transcript NM_198503.5 (MANE Select); coding-DNA position 2198, A replaced by G.
Protein change: p.Tyr733Cys; replaces tyrosine 733 with cysteine.
Molecular consequence: missense variant. On other transcripts: non-coding transcript variant (2).
Genome position (GRCh38, 1-based): chr1:196,326,795, T>C on the plus strand (A>G on the coding strand, the complement: KCNT2 is on the minus strand). VCF-style: chr1-196326795-T-C. GRCh37 (hg19) VCF-style: chr1-196295925-T-C.
Other names: c.2198A>G, p.Tyr733Cys (NM_001287819.3); c.2048A>G, p.Tyr683Cys (NM_001287820.3); short protein forms Y683C, Y733C.
Identifiers: ClinVar variation 3364480 (VCV003364480.2).
Genomic context (GRCh38, chr1:196,326,795, plus strand): 5'-ACTATGGGATTAAGTTCTTTCTTTGGTCTATAATATGCCCTGAGAGGAACAATAAAGTTA[T>C]ATAATCCATTTCCAGCTGTTTCAGCTGCAACTATAATTAGTTTATTTTTGAATCCATAGG-3'
Protein context (NP_940905.2, residues 723-743): VAAETAGNGL[Tyr733Cys]NFIVPLRAYY

ClinVar aggregate classification (germline): Uncertain significance (1 of 4 stars; one submission).

gnomAD v4.1: 1 of 1,583,618 alleles (0.000063%); highest among the groups gnomAD compares: Non-Finnish European, 0.000086%; no homozygotes.

Submission:

GeneDx
Classification: Uncertain significance. Last evaluated: 2026-07-20. Review status: criteria provided, single submitter. Criteria: GeneDx Variant Classification Process June 2021. Collection method: clinical testing. Allele origin: germline.
Comment: Not observed at significant frequency in large population cohorts (gnomAD); In silico analysis supports that this missense variant has a deleterious effect on protein structure/function; Has not been previously published as pathogenic or benign to our knowledge